The following is an entry in ClinVar:

ClinVar aggregate classification (germline): Likely benign. Review status: criteria provided, single submitter (1 of 4 stars). 2 submissions from 2 submitters: Likely benign (1). 1 of the submissions does not count toward it. Last evaluated 2024-11-26.

Conditions:
GAS2L2-related disorder. Also called: GAS2L2-related condition.

Allele frequency attached by ClinVar (database versions not stated): 1000 Genomes Project 30x 0.00047; 1000 Genomes Project 0.00060; ESP Exome Variant Server 0.00177.
gnomAD v4.1: 4,222 of 1,613,828 alleles (0.26%); highest among the groups gnomAD compares: Non-Finnish European, 0.32%; 8 homozygotes.

Submissions (2):

Blueprint Genetics
Classification: Likely benign. Last evaluated: 2024-11-26. Review status: criteria provided, single submitter. Criteria: ACMG Guidelines, 2015. Collection method: clinical testing. Allele origin: germline.

PreventionGenetics, part of Exact Sciences
Classification: Likely benign for GAS2L2-related condition. Last evaluated: 2021-05-19. Review status: no assertion criteria provided. Collection method: clinical testing. Allele origin: germline. Not counted in ClinVar's aggregate classification.
Comment: This variant is classified as likely benign based on ACMG/AMP sequence variant interpretation guidelines (Richards et al. 2015 PMID: 25741868, with internal and published modifications).

NM_139285.4(GAS2L2):c.2433C>T (p.Pro811=)

Gene: GAS2L2 (growth arrest specific 2 like 2; minus strand). Cytogenetic location: 17q12.
Variant type: single nucleotide variant.
Coding change: c.2433C>T on transcript NM_139285.4 (MANE Select); coding-DNA position 2433, C replaced by T.
Protein change: p.Pro811=; no amino-acid change (proline 811 retained).
Molecular consequence: synonymous variant.
Genome position (GRCh38, 1-based): chr17:35,745,064, G>A on the plus strand (C>T on the coding strand, the complement: GAS2L2 is on the minus strand). VCF-style: chr17-35745064-G-A. GRCh37 (hg19) VCF-style: chr17-34072083-G-A.
Identifiers: ClinVar variation 3042558 (VCV003042558.3), dbSNP rs149382781, ClinGen allele CA8505852.